The following is an entry in ClinVar:

NM_001127222.2(CACNA1A):c.6623_6628dup (p.Arg2208_Gln2209dup)

Gene: CACNA1A (calcium voltage-gated channel subunit alpha1 A; minus strand). Cytogenetic location: 19p13.13.
Variant type: Duplication.
Coding change: c.6623_6628dup on transcript NM_001127222.2 (MANE Select); coding-DNA positions 6623 to 6628, 6 bases duplicated (GACAGC; older notation c.6623_6628dupGACAGC).
Protein change: p.Arg2208_Gln2209dup.
Molecular consequence: inframe insertion.
Genome position (GRCh38, 1-based): chr19:13,208,908-13,208,913, GCTGTC duplicated on the plus strand (GACAGC on the coding strand, the reverse complement: CACNA1A is on the minus strand); duplicating any 6 consecutive bases within chr19:13,208,908-13,208,914 gives the same sequence; the c. name uses the placement nearest the transcript's 3' end. VCF-style (leftmost placement, unchanged base first): chr19-13208907-T-TGCTGTC. GRCh37 (hg19) VCF-style: chr19-13319721-T-TGCTGTC.
Other names: c.6641_6646dup, p.Arg2214_Gln2215dup (NM_000068.4, NM_023035.3); c.6626_6631dup, p.Arg2209_Gln2210dup (NM_001127221.2); c.6632_6637dup, p.Arg2211_Gln2212dup (NM_001174080.2).
Identifiers: ClinVar variation 844264 (VCV000844264.10), dbSNP rs1247003992, ClinGen allele CA783411570.

ClinVar aggregate classification (germline): Uncertain significance. Review status: criteria provided, multiple submitters, no conflicts (2 of 4 stars). 2 submissions from 2 submitters: Uncertain significance (2). Last evaluated 2024-02-17.

Conditions:
Episodic ataxia type 2 (EA2). Also called: ACETAZOLAMIDE-RESPONSIVE HEREDITARY PAROXYSMAL CEREBELLAR ATAXIA; ATAXIA, EPISODIC, WITH NYSTAGMUS; ATAXIA, FAMILIAL PAROXYSMAL; CEREBELLAR ATAXIA, PAROXYSMAL, ACETAZOLAMIDE-RESPONSIVE; CEREBELLOPATHY, HEREDITARY PAROXYSMAL; EPISODIC ATAXIA, NYSTAGMUS-ASSOCIATED. Identifiers: Orphanet 97, MedGen C1720416, MONDO:0007163, OMIM 108500.
Developmental and epileptic encephalopathy, 42 (DEE42A). Also called: DEVELOPMENTAL AND EPILEPTIC ENCEPHALOPATHY 42A; EPILEPTIC ENCEPHALOPATHY, EARLY INFANTILE, 42A; Epileptic encephalopathy, early infantile, 42. Identifiers: MedGen C4310716, MONDO:0014917, OMIM 617106.

Submissions (2):

Labcorp Genetics (formerly Invitae), Labcorp
Classification: Uncertain significance for Developmental and epileptic encephalopathy, 42; Episodic ataxia type 2. Last evaluated: 2024-02-17. Review status: criteria provided, single submitter. Criteria: Invitae Variant Classification Sherloc (09022015). Collection method: clinical testing. Allele origin: germline.
Comment: This variant, c.6626_6631dup, results in the insertion of 2 amino acid(s) of the CACNA1A protein (p.Arg2209_Gln2210dup), but otherwise preserves the integrity of the reading frame. This variant is not present in population databases (gnomAD no frequency). This variant has not been reported in the literature in individuals affected with CACNA1A-related conditions. ClinVar contains an entry for this variant (Variation ID: 844264). Experimental studies and prediction algorithms are not available or were not evaluated, and the functional significance of this variant is currently unknown. In summary, the available evidence is currently insufficient to determine the role of this variant in disease. Therefore, it has been classified as a Variant of Uncertain Significance.

GeneDx
Classification: Uncertain significance. Last evaluated: 2022-11-30. Review status: criteria provided, single submitter. Criteria: GeneDx Variant Classification Process June 2021. Collection method: clinical testing. Allele origin: germline.
Comment: In-frame insertion of 2 amino acids in a non-repeat region; Has not been previously published as pathogenic or benign to our knowledge